The following is an entry in ClinVar:

NM_001376256.1(CRYM):c.10G>T (p.Val4Leu)

Genes: CRYM (crystallin mu; minus strand), LOC130058620 (ATAC-STARR-seq lymphoblastoid active region 10553; plus strand). Cytogenetic location: 16p12.2.
Variant type: single nucleotide variant.
Coding change: c.10G>T on transcript NM_001376256.1 (MANE Select); coding-DNA position 10, G replaced by T.
Protein change: p.Val4Leu; replaces valine 4 with leucine.
Molecular consequence: missense variant.
Genome position (GRCh38, 1-based): chr16:21,278,242, C>A on the plus strand (G>T on the coding strand, the complement: CRYM is on the minus strand). VCF-style: chr16-21278242-C-A. GRCh37 (hg19) VCF-style: chr16-21289563-C-A.
Other names: c.10G>T, p.Val4Leu (NM_001888.5); short protein forms V4L.
Identifiers: ClinVar variation 1398168 (VCV001398168.7), dbSNP rs766675674, ClinGen allele CA7950835.

ClinVar aggregate classification (germline): Uncertain significance. Review status: criteria provided, multiple submitters, no conflicts (2 of 4 stars). 2 submissions from 2 submitters: Uncertain significance (2). Last evaluated 2024-03-11.

Conditions:
Autosomal dominant nonsyndromic hearing loss 40. Also called: Deafness, autosomal dominant 40. Identifiers: Orphanet 90635, MedGen C4084708, MONDO:0014603, OMIM 616357.

Allele frequency attached by ClinVar (database versions not stated): gnomAD 0.00001; TOPMed 0.00001; gnomAD exomes 0.00003; ExAC 0.00019.
gnomAD v4.1: 32 of 1,584,530 alleles (0.002%); highest among the groups gnomAD compares: Non-Finnish European, 0.0023%; no homozygotes.

Submissions (2):

Labcorp Genetics (formerly Invitae), Labcorp
Classification: Uncertain significance. Last evaluated: 2024-03-11. Review status: criteria provided, single submitter. Criteria: Invitae Variant Classification Sherloc (09022015). Collection method: clinical testing. Allele origin: germline.
Comment: This sequence change replaces valine, which is neutral and non-polar, with leucine, which is neutral and non-polar, at codon 4 of the CRYM protein (p.Val4Leu). This variant is present in population databases (rs766675674, gnomAD 0.007%). This variant has not been reported in the literature in individuals affected with CRYM-related conditions. ClinVar contains an entry for this variant (Variation ID: 1398168). An algorithm developed to predict the effect of missense changes on protein structure and function (PolyPhen-2) suggests that this variant is likely to be tolerated. In summary, the available evidence is currently insufficient to determine the role of this variant in disease. Therefore, it has been classified as a Variant of Uncertain Significance.

Fulgent Genetics
Classification: Uncertain significance for Autosomal dominant nonsyndromic hearing loss 40. Last evaluated: 2021-07-06. Review status: criteria provided, single submitter. Criteria: ACMG Guidelines, 2015. Collection method: clinical testing. Allele origin: unknown.